The following is an entry in ClinVar:

NM_004958.4(MTOR):c.6308T>C (p.Leu2103Pro)

Gene: MTOR (mechanistic target of rapamycin kinase; minus strand). Cytogenetic location: 1p36.22.
Variant type: single nucleotide variant.
Coding change: c.6308T>C on transcript NM_004958.4 (MANE Select); coding-DNA position 6308, T replaced by C.
Protein change: p.Leu2103Pro; replaces leucine 2103 with proline.
Molecular consequence: missense variant.
Genome position (GRCh38, 1-based): chr1:11,127,053, A>G on the plus strand (T>C on the coding strand, the complement: MTOR is on the minus strand). VCF-style: chr1-11127053-A-G. GRCh37 (hg19) VCF-style: chr1-11187110-A-G.
Other names: c.6308T>C, p.Leu2103Pro (NM_001386500.1); c.5060T>C, p.Leu1687Pro (NM_001386501.1); short protein forms L1687P, L2103P.
Identifiers: ClinVar variation 1480693 (VCV001480693.8), dbSNP rs1027355452, ClinGen allele CA17940901.

ClinVar aggregate classification (germline): Uncertain significance (1 of 4 stars; one submission).

Allele frequency attached by ClinVar (database versions not stated): gnomAD exomes below 0.00001; gnomAD 0.00004; TOPMed 0.00004.
gnomAD v4.1: 6 of 1,614,080 alleles (0.00037%); highest among the groups gnomAD compares: Non-Finnish European, 0.000085%; no homozygotes.

Submission:

Labcorp Genetics (formerly Invitae), Labcorp
Classification: Uncertain significance. Last evaluated: 2024-12-12. Review status: criteria provided, single submitter. Criteria: Invitae Variant Classification Sherloc (09022015). Collection method: clinical testing. Allele origin: germline.
Comment: This sequence change replaces leucine, which is neutral and non-polar, with proline, which is neutral and non-polar, at codon 2103 of the MTOR protein (p.Leu2103Pro). This variant is present in population databases (no rsID available, gnomAD 0.01%). This variant has not been reported in the literature in individuals affected with MTOR-related conditions. ClinVar contains an entry for this variant (Variation ID: 1480693). Invitae Evidence Modeling of protein sequence and biophysical properties (such as structural, functional, and spatial information, amino acid conservation, physicochemical variation, residue mobility, and thermodynamic stability) indicates that this missense variant is not expected to disrupt MTOR protein function with a negative predictive value of 95%. In summary, the available evidence is currently insufficient to determine the role of this variant in disease. Therefore, it has been classified as a Variant of Uncertain Significance.